The following is an entry in ClinVar:

ClinVar aggregate classification (germline): Uncertain significance (1 of 4 stars; one submission).

Conditions:
Congenital primary aphakia. Also called: Anterior segment dysgenesis 2, multiple subtypes; ANTERIOR SEGMENT DYSGENESIS 2. Identifiers: Orphanet 83461, MedGen C1853230, MONDO:0012456, OMIM 610256.
Anterior segment dysgenesis. Also called: Ocular anterior segment dysgenesis. Identifiers: Orphanet 88632, MedGen C1862839, MONDO:0019503, HP:0007700.

Submission:

Labcorp Genetics (formerly Invitae), Labcorp
Classification: Uncertain significance for Anterior segment dysgenesis; Congenital primary aphakia. Last evaluated: 2024-03-27. Review status: criteria provided, single submitter. Criteria: Invitae Variant Classification Sherloc (09022015). Collection method: clinical testing. Allele origin: germline.
Comment: This sequence change affects codon 219 of the FOXE3 mRNA. It is a 'silent' change, meaning that it does not change the encoded amino acid sequence of the FOXE3 protein. This variant is not present in population databases (gnomAD no frequency). This variant has not been reported in the literature in individuals affected with FOXE3-related conditions. In summary, the available evidence is currently insufficient to determine the role of this variant in disease. Therefore, it has been classified as a Variant of Uncertain Significance.

NM_012186.3(FOXE3):c.657C>A (p.Val219=)

Genes: FOXE3 (forkhead box E3; plus strand), LINC01389 (long independently transcribed non-coding RNA 1389; minus strand). Cytogenetic location: 1p33.
Variant type: single nucleotide variant.
Coding change: c.657C>A on transcript NM_012186.3 (MANE Select); coding-DNA position 657, C replaced by A.
Protein change: p.Val219=; no amino-acid change (valine 219 retained).
Molecular consequence: synonymous variant.
Genome position (GRCh38, 1-based): chr1:47,416,972, C>A. VCF-style: chr1-47416972-C-A. GRCh37 (hg19) VCF-style: chr1-47882644-C-A.
Identifiers: ClinVar variation 3755547 (VCV003755547.2).